The following is an entry in ClinVar:

NM_201384.3(PLEC):c.13354C>T (p.Arg4452Cys)

Gene: PLEC (plectin; minus strand). Cytogenetic location: 8q24.3.
Variant type: single nucleotide variant.
Coding change: c.13354C>T on transcript NM_201384.3 (MANE Select); coding-DNA position 13354, C replaced by T.
Protein change: p.Arg4452Cys; replaces arginine 4452 with cysteine.
Molecular consequence: missense variant.
Genome position (GRCh38, 1-based): chr8:143,916,467, G>A on the plus strand (C>T on the coding strand, the complement: PLEC is on the minus strand). VCF-style: chr8-143916467-G-A. GRCh37 (hg19) VCF-style: chr8-144990635-G-A.
Other names: c.13435C>T, p.Arg4479Cys (NM_000445.5); c.13312C>T, p.Arg4438Cys (NM_201378.4); c.13288C>T, p.Arg4430Cys (NM_201379.3); c.13765C>T, p.Arg4589Cys (NM_201380.4); c.13258C>T, p.Arg4420Cys (NM_201381.3); c.13354C>T, p.Arg4452Cys (NM_201382.4); c.13366C>T, p.Arg4456Cys (NM_201383.3); c.13435C>T (NM_000445.3); short protein forms R4430C, R4589C, R4420C, R4452C, R4456C, R4479C, R4438C.
Identifiers: ClinVar variation 1361801 (VCV001361801.7), dbSNP rs782371632, ClinGen allele CA4923832.

ClinVar aggregate classification (germline): Uncertain significance. Review status: criteria provided, multiple submitters, no conflicts (2 of 4 stars). 2 submissions from 2 submitters: Uncertain significance (2). Last evaluated 2025-08-23.

Conditions:
Inborn genetic diseases. Identifiers: MedGen C0950123, MeSH D030342.
Epidermolysis bullosa simplex 5B, with muscular dystrophy (EBS5B). Also called: Epidermolysis bullosa simplex with muscular dystrophy; EPIDERMOLYSIS BULLOSA SIMPLEX AND LIMB-GIRDLE MUSCULAR DYSTROPHY. Identifiers: Orphanet 257, MedGen C2931072, MONDO:0009181, OMIM 226670.
Epidermolysis bullosa simplex 5C, with pyloric atresia (EBS5C). Also called: Epidermolysis bullosa simplex with pyloric atresia; PLEC-Related Epidermolysis Bullosa with Pyloric Atresia; PLEC1-Related Epidermolysis Bullosa with Pyloric Atresia. Identifiers: Orphanet 158684, MedGen C2677349, MONDO:0012807, OMIM 612138.
Epidermolysis bullosa simplex with nail dystrophy (EBS5D). Identifiers: MedGen C4225309, MONDO:0014661, OMIM 616487.
Autosomal recessive limb-girdle muscular dystrophy type 2Q (LGMDR17). Also called: MUSCULAR DYSTROPHY, LIMB-GIRDLE, AUTOSOMAL RECESSIVE 17. Identifiers: Orphanet 254361, MedGen C3150989, MONDO:0013390, OMIM 613723.
Epidermolysis bullosa simplex, Ogna type (EBS5A). Also called: Pidermolysis bullosa simplex 5A, Ogna type; EPIDERMOLYSIS BULLOSA SIMPLEX 5A, OGNA TYPE. Identifiers: Orphanet 79401, MedGen C0432317, MONDO:0007555, OMIM 131950.

Allele frequency attached by ClinVar (database versions not stated): TOPMed 0.00003; gnomAD 0.00004 and 0.00005; gnomAD exomes 0.00004 and 0.00006; ExAC 0.00012.
gnomAD v4.1: 66 of 1,611,832 alleles (0.0041%); highest among the groups gnomAD compares: East Asian, 0.011%; no homozygotes.

Submissions (2):

Ambry Genetics
Classification: Uncertain significance for Inborn genetic diseases. Last evaluated: 2025-08-23. Review status: criteria provided, single submitter. Criteria: Ambry Variant Classification Scheme 2023. Collection method: clinical testing. Allele origin: germline.

Labcorp Genetics (formerly Invitae), Labcorp
Classification: Uncertain significance for Autosomal recessive limb-girdle muscular dystrophy type 2Q; Epidermolysis bullosa simplex, Ogna type; Epidermolysis bullosa simplex with nail dystrophy; Epidermolysis bullosa simplex 5C, with pyloric atresia; Epidermolysis bullosa simplex 5B, with muscular dystrophy. Last evaluated: 2024-07-25. Review status: criteria provided, single submitter. Criteria: Invitae Variant Classification Sherloc (09022015). Collection method: clinical testing. Allele origin: germline.
Comment: This sequence change replaces arginine, which is basic and polar, with cysteine, which is neutral and slightly polar, at codon 4479 of the PLEC protein (p.Arg4479Cys). This variant is present in population databases (rs782371632, gnomAD 0.01%). This variant has not been reported in the literature in individuals affected with PLEC-related conditions. ClinVar contains an entry for this variant (Variation ID: 1361801). Advanced modeling of protein sequence and biophysical properties (such as structural, functional, and spatial information, amino acid conservation, physicochemical variation, residue mobility, and thermodynamic stability) performed at Invitae indicates that this missense variant is not expected to disrupt PLEC protein function with a negative predictive value of 80%. In summary, the available evidence is currently insufficient to determine the role of this variant in disease. Therefore, it has been classified as a Variant of Uncertain Significance.